The following is an entry in ClinVar:

NM_152743.4(BRAT1):c.1498+1G>A

Gene: BRAT1 (BRCA1 associated ATM activator 1; minus strand). Cytogenetic location: 7p22.3.
Variant type: single nucleotide variant.
Coding change: c.1498+1G>A on transcript NM_152743.4 (MANE Select); the canonical splice donor site of the intron after coding-DNA position 1498, G replaced by A.
Molecular consequence: splice donor variant.
Genome position (GRCh38, 1-based): chr7:2,539,785, C>T on the plus strand (G>A on the coding strand, the complement: BRAT1 is on the minus strand). VCF-style: chr7-2539785-C-T. GRCh37 (hg19) VCF-style: chr7-2579419-C-T.
Other names: c.973+1G>A (NM_001350627.2); c.1498+1G>A (NM_001350626.2).
Identifiers: ClinVar variation 4293610 (VCV004293610.2).

ClinVar aggregate classification (germline): Pathogenic (1 of 4 stars; one submission).

Conditions:
BRAT1-related disorder. Also called: BRAT1-related condition; BRAT1-related disorders.

gnomAD v4.1: 3 of 1,610,508 alleles (0.00019%); highest among the groups gnomAD compares: South Asian, 0.0033%; no homozygotes.

Submission:

3billion
Classification: Pathogenic for BRAT1-related disorder. Last evaluated: 2025-08-20. Review status: criteria provided, single submitter. Criteria: ACMG Guidelines, 2015. Collection method: clinical testing. Allele origin: germline. Affected: yes.
Comment: The variant is observed at an extremely low frequency in the gnomAD v4.1.0 dataset (total allele frequency: <0.001%). Predicted Consequence/Location: Canonical splice site: predicted to alter splicing and result in a loss or disruption of normal protein function. Multiple pathogenic loss-of-function variants are reported downstream of the variant. In silico tools predict the variant to alter splicing and produce an abnormal transcript [SpliceAI: 0.98 (spliceogenicity >=0.2, non-spliceogenicity <0.1)]. The variant has been reported to be associated with BRAT1-related disorder (PMID: 31618474 /3billion dataset). Therefore, this variant is classified as Pathogenic according to the recommendation of ACMG/AMP guideline.

Literature cited by the submitters: PubMed 31618474.